The following is an entry in ClinVar:

NM_021831.6(AGBL5):c.578G>T (p.Arg193Leu)

Gene: AGBL5 (AGBL carboxypeptidase 5; plus strand). Cytogenetic location: 2p23.3.
Variant type: single nucleotide variant.
Coding change: c.578G>T on transcript NM_021831.6 (MANE Select); coding-DNA position 578, G replaced by T.
Protein change: p.Arg193Leu; replaces arginine 193 with leucine.
Molecular consequence: missense variant. On other transcripts: non-coding transcript variant (2).
Genome position (GRCh38, 1-based): chr2:27,054,656, G>T. VCF-style: chr2-27054656-G-T. GRCh37 (hg19) VCF-style: chr2-27277524-G-T.
Other names: c.578G>T, p.Arg193Leu (NM_001035507.3); short protein forms R193L.
Identifiers: ClinVar variation 1487263 (VCV001487263.9), dbSNP rs145460598, ClinGen allele CA1567679.

ClinVar aggregate classification (germline): Uncertain significance. Review status: criteria provided, multiple submitters, no conflicts (2 of 4 stars). 2 submissions from 2 submitters: Uncertain significance (2). Last evaluated 2024-02-23.

Allele frequency attached by ClinVar (database versions not stated): ExAC 0.00001; gnomAD exomes 0.00001; ESP Exome Variant Server 0.00008.

Submissions (2):

Labcorp Genetics (formerly Invitae), Labcorp
Classification: Uncertain significance. Last evaluated: 2024-02-23. Review status: criteria provided, single submitter. Criteria: Invitae Variant Classification Sherloc (09022015). Collection method: clinical testing. Allele origin: germline.
Comment: This sequence change replaces arginine, which is basic and polar, with leucine, which is neutral and non-polar, at codon 193 of the AGBL5 protein (p.Arg193Leu). This variant is present in population databases (rs145460598, gnomAD 0.003%). This variant has not been reported in the literature in individuals affected with AGBL5-related conditions. ClinVar contains an entry for this variant (Variation ID: 1487263). An algorithm developed to predict the effect of missense changes on protein structure and function (PolyPhen-2) suggests that this variant is likely to be disruptive. In summary, the available evidence is currently insufficient to determine the role of this variant in disease. Therefore, it has been classified as a Variant of Uncertain Significance.

Blueprint Genetics
Classification: Uncertain significance. Last evaluated: 2022-08-24. Review status: criteria provided, single submitter. Criteria: ACMG Guidelines, 2015. Collection method: clinical testing. Allele origin: germline.